The following is an entry in ClinVar:

ClinVar aggregate classification (germline): Uncertain significance (1 of 4 stars; one submission).

Submission:

GeneDx
Classification: Uncertain significance. Last evaluated: 2024-12-19. Review status: criteria provided, single submitter. Criteria: GeneDx Variant Classification Process June 2021. Collection method: clinical testing. Allele origin: germline. Affected: yes.
Comment: Not observed at significant frequency in large population cohorts (gnomAD); In silico analysis indicates that this missense variant does not alter protein structure/function; Has not been previously published as pathogenic or benign to our knowledge

NM_002025.4(AFF2):c.3700A>G (p.Thr1234Ala)

Gene: AFF2 (ALF transcription elongation factor 2; plus strand). Cytogenetic location: Xq28.
Variant type: single nucleotide variant.
Coding change: c.3700A>G on transcript NM_002025.4 (MANE Select); coding-DNA position 3700, A replaced by G.
Protein change: p.Thr1234Ala; replaces threonine 1234 with alanine.
Molecular consequence: missense variant.
Genome position (GRCh38, 1-based): chrX:148,987,443, A>G. VCF-style: chrX-148987443-A-G. GRCh37 (hg19) VCF-style: chrX-148068973-A-G.
Other names: c.3595A>G, p.Thr1199Ala (NM_001169122.2, NM_001169124.2); c.3670A>G, p.Thr1224Ala (NM_001169123.2); c.3583A>G, p.Thr1195Ala (NM_001169125.2); c.2623A>G, p.Thr875Ala (NM_001170628.1); short protein forms T1195A, T1199A, T1224A, T1234A, T875A.
Identifiers: ClinVar variation 3906356 (VCV003906356.1).